The following is an entry in ClinVar:

ClinVar aggregate classification (germline): Uncertain significance (1 of 4 stars; one submission).

Conditions:
Propionic acidemia (PROP). Also called: GLYCINEMIA, KETOTIC; HYPERGLYCINEMIA WITH KETOACIDOSIS AND LEUKOPENIA; KETOTIC HYPERGLYCINEMIA. Identifiers: Orphanet 35, MedGen C0268579, MONDO:0011628, OMIM 606054, HP:0003571.

gnomAD v4.1: 2 of 1,612,482 alleles (0.00012%); highest among the groups gnomAD compares: Non-Finnish European, 0.00017%; no homozygotes.

Submission:

Labcorp Genetics (formerly Invitae), Labcorp
Classification: Uncertain significance for Propionic acidemia. Last evaluated: 2024-02-10. Review status: criteria provided, single submitter. Criteria: Invitae Variant Classification Sherloc (09022015). Collection method: clinical testing. Allele origin: germline.
Comment: This sequence change replaces arginine, which is basic and polar, with glycine, which is neutral and non-polar, at codon 117 of the PCCB protein (p.Arg117Gly). This variant is present in population databases (rs758845343, gnomAD 0.0009%). This variant has not been reported in the literature in individuals affected with PCCB-related conditions. Advanced modeling of protein sequence and biophysical properties (such as structural, functional, and spatial information, amino acid conservation, physicochemical variation, residue mobility, and thermodynamic stability) has been performed at Invitae for this missense variant, however the output from this modeling did not meet the statistical confidence thresholds required to predict the impact of this variant on PCCB protein function. In summary, the available evidence is currently insufficient to determine the role of this variant in disease. Therefore, it has been classified as a Variant of Uncertain Significance.

NM_000532.5(PCCB):c.349A>G (p.Arg117Gly)

Gene: PCCB (propionyl-CoA carboxylase subunit beta; plus strand). Cytogenetic location: 3q22.3.
Variant type: single nucleotide variant.
Coding change: c.349A>G on transcript NM_000532.5 (MANE Select); coding-DNA position 349, A replaced by G.
Protein change: p.Arg117Gly; replaces arginine 117 with glycine.
Molecular consequence: missense variant.
Genome position (GRCh38, 1-based): chr3:136,256,600, A>G. VCF-style: chr3-136256600-A-G. GRCh37 (hg19) VCF-style: chr3-135975442-A-G.
Other names: c.349A>G, p.Arg117Gly (NM_001178014.2); short protein forms R117G.
Identifiers: ClinVar variation 3693880 (VCV003693880.2).